The following is an entry in ClinVar:

ClinVar aggregate classification (germline): Uncertain significance (1 of 4 stars; one submission).

gnomAD v4.1: 3 of 1,493,570 alleles (0.0002%); highest among the groups gnomAD compares: Admixed American, 0.0019%; no homozygotes.

Submission:

Labcorp Genetics (formerly Invitae), Labcorp
Classification: Uncertain significance. Last evaluated: 2023-08-27. Review status: criteria provided, single submitter. Criteria: Invitae Variant Classification Sherloc (09022015). Collection method: clinical testing. Allele origin: germline.
Comment: Algorithms developed to predict the effect of sequence changes on RNA splicing suggest that this variant may create or strengthen a splice site. This variant has not been reported in the literature in individuals affected with ERBIN-related conditions. This variant is not present in population databases (gnomAD no frequency). This sequence change falls in intron 4 of the ERBIN gene. It does not directly change the encoded amino acid sequence of the ERBIN protein. In summary, the available evidence is currently insufficient to determine the role of this variant in disease. Therefore, it has been classified as a Variant of Uncertain Significance.

NM_001253697.2(ERBIN):c.308-17C>A

Gene: ERBIN (erbb2 interacting protein; plus strand). Cytogenetic location: 5q12.3.
Variant type: single nucleotide variant.
Coding change: c.308-17C>A on transcript NM_001253697.2 (MANE Select); 17 bases into the intron before coding-DNA position 308, C replaced by A.
Molecular consequence: intron variant.
Genome position (GRCh38, 1-based): chr5:66,012,032, C>A. VCF-style: chr5-66012032-C-A. GRCh37 (hg19) VCF-style: chr5-65307860-C-A.
Other names: c.308-17C>A (NM_001253699.2, NM_018695.4, NM_001253698.2 and 2 more transcripts).
Identifiers: ClinVar variation 2989448 (VCV002989448.3), dbSNP rs545553739, ClinGen allele CA1076978145.